The following is an entry in ClinVar:

NM_002454.3(MTRR):c.1575A>C (p.Arg525=)

Gene: MTRR (5-methyltetrahydrofolate-homocysteine methyltransferase reductase; plus strand). Cytogenetic location: 5p15.31.
Variant type: single nucleotide variant.
Coding change: c.1575A>C on transcript NM_002454.3 (MANE Select); coding-DNA position 1575, A replaced by C.
Protein change: p.Arg525=; no amino-acid change (arginine 525 retained).
Molecular consequence: synonymous variant. On other transcripts: non-coding transcript variant (14).
Genome position (GRCh38, 1-based): chr5:7,895,751, A>C. VCF-style: chr5-7895751-A-C. GRCh37 (hg19) VCF-style: chr5-7895864-A-C.
Other names: c.1575A>C, p.Arg525= (NM_001364440.2, NM_001364441.2, NM_001364442.2 and 1 more transcripts).
Identifiers: ClinVar variation 388634 (VCV000388634.10), dbSNP rs369430052, ClinGen allele CA3195988.

ClinVar aggregate classification (germline): Likely benign. Review status: criteria provided, multiple submitters, no conflicts (2 of 4 stars). 2 submissions from 2 submitters: Likely benign (2). Last evaluated 2024-01-29.

Conditions:
Methylcobalamin deficiency type cblE (HMAE). Also called: HOMOCYSTINURIA-MEGALOBLASTIC ANEMIA, cblE COMPLEMENTATION TYPE; HOMOCYSTINURIA-MEGALOBLASTIC ANEMIA, cblE TYPE; VITAMIN B12-RESPONSIVE HOMOCYSTINURIA, cblE TYPE. Identifiers: Orphanet 2169, Orphanet 622, MedGen C1856057, MONDO:0009354, OMIM 236270.

Allele frequency attached by ClinVar (database versions not stated): ExAC 0.00002; gnomAD 0.00002; TOPMed 0.00002; gnomAD exomes 0.00003; ESP Exome Variant Server 0.00015.
gnomAD v4.1: 49 of 1,613,940 alleles (0.003%); highest among the groups gnomAD compares: Non-Finnish European, 0.004%; no homozygotes.

Submissions (2):

Labcorp Genetics (formerly Invitae), Labcorp
Classification: Likely benign for Methylcobalamin deficiency type cblE. Last evaluated: 2024-01-29. Review status: criteria provided, single submitter. Criteria: Invitae Variant Classification Sherloc (09022015). Collection method: clinical testing. Allele origin: germline.

GeneDx
Classification: Likely benign. Last evaluated: 2016-08-22. Review status: criteria provided, single submitter. Criteria: GeneDx Variant Classification (06012015). Collection method: clinical testing. Allele origin: germline. Affected: yes.
Comment: This variant is considered likely benign or benign based on one or more of the following criteria: it is a conservative change, it occurs at a poorly conserved position in the protein, it is predicted to be benign by multiple in silico algorithms, and/or has population frequency not consistent with disease.